The following is an entry in ClinVar:

NM_032638.5(GATA2):c.1216A>C (p.Lys406Gln)

Gene: GATA2 (GATA binding protein 2; minus strand). Cytogenetic location: 3q21.3.
Variant type: single nucleotide variant.
Coding change: c.1216A>C on transcript NM_032638.5 (MANE Select); coding-DNA position 1216, A replaced by C.
Protein change: p.Lys406Gln; replaces lysine 406 with glutamine.
Molecular consequence: missense variant.
Genome position (GRCh38, 1-based): chr3:128,481,246, T>G on the plus strand (A>C on the coding strand, the complement: GATA2 is on the minus strand). VCF-style: chr3-128481246-T-G. GRCh37 (hg19) VCF-style: chr3-128200089-T-G.
Other names: c.1216A>C, p.Lys406Gln (NM_001145661.2); c.1174A>C, p.Lys392Gln (NM_001145662.1); short protein forms K392Q, K406Q.
Identifiers: ClinVar variation 1899627 (VCV001899627.6), dbSNP rs2068624408, ClinGen allele CA354413123.
Genomic context (GRCh38, chr3:128,481,246, plus strand): 5'-ATGACTTCTCCTGCATGCACTTTGACAGCTCCTCGAAGCACTCCGCCCCTTTCTTGCTCT[T>G]CTTGGACTTGTTGGACATCTTCCGGTTCCGAGTCTGGATCCCTTCCTTCTTCATGGTCAG-3'
Protein context (NP_116027.2, residues 396-416): RNRKMSNKSK[Lys406Gln]SKKGAECFEE

ClinVar aggregate classification (germline): Uncertain significance. Review status: criteria provided, multiple submitters, no conflicts (2 of 4 stars). 2 submissions from 2 submitters: Uncertain significance (2). Last evaluated 2026-07-02.

Conditions:
Inborn genetic diseases. Identifiers: MedGen C0950123, MeSH D030342.
Deafness-lymphedema-leukemia syndrome. Also called: Lymphedema, primary, with myelodysplasia; Emberger syndrome. Identifiers: Orphanet 3226, MedGen C3279664, MONDO:0013540, OMIM 614038.
Monocytopenia with susceptibility to infections. Also called: MONOCYTOPENIA AND MYCOBACTERIAL INFECTION SYNDROME; MONOCYTOPENIA WITH SUSCEPTIBILITY TO MYCOBACTERIAL, FUNGAL, AND PAPILLOMAVIRUS INFECTIONS AND MYELODYSPLASIA; COMBINED IMMUNODEFICIENCY WITH SUSCEPTIBILITY TO MYCOBACTERIAL, VIRAL, AND FUNGAL INFECTIONS; Dendritic cell, monocyte, B lymphocyte, and natural killer lymphocyte deficiency; IMMUNODEFICIENCY 21; GATA2 DEFICIENCY. Identifiers: Orphanet 228423, MedGen C3280030, MONDO:0013607, OMIM 614172.

Allele frequency attached by ClinVar (database versions not stated): TOPMed 0.00001.

Submissions (2):

Ambry Genetics
Classification: Uncertain significance for Inborn genetic diseases. Last evaluated: 2026-07-02. Review status: criteria provided, single submitter. Criteria: Ambry Variant Classification Scheme 2023. Collection method: clinical testing. Allele origin: germline.
Comment: The p.K406Q variant (also known as c.1216A>C), located in coding exon 5 of the GATA2 gene, results from an A to C substitution at nucleotide position 1216. The lysine at codon 406 is replaced by glutamine, an amino acid with similar properties. This amino acid position is conserved. In addition, the in silico prediction for this alteration is inconclusive. Based on the available evidence, the clinical significance of this variant remains unclear.

Labcorp Genetics (formerly Invitae), Labcorp
Classification: Uncertain significance for Monocytopenia with susceptibility to infections; Deafness-lymphedema-leukemia syndrome. Last evaluated: 2022-01-14. Review status: criteria provided, single submitter. Criteria: Invitae Variant Classification Sherloc (09022015). Collection method: clinical testing. Allele origin: germline.
Comment: In summary, the available evidence is currently insufficient to determine the role of this variant in disease. Therefore, it has been classified as a Variant of Uncertain Significance. Algorithms developed to predict the effect of missense changes on protein structure and function are either unavailable or do not agree on the potential impact of this missense change (SIFT: "Tolerated"; PolyPhen-2: "Probably Damaging"; Align-GVGD: "Class C0"). This variant has not been reported in the literature in individuals affected with GATA2-related conditions. This variant is not present in population databases (gnomAD no frequency). This sequence change replaces lysine, which is basic and polar, with glutamine, which is neutral and polar, at codon 406 of the GATA2 protein (p.Lys406Gln).